The following is an entry in ClinVar:

NM_001040108.2(MLH3):c.3988G>A (p.Glu1330Lys)

Gene: MLH3 (mutL homolog 3; minus strand). Cytogenetic location: 14q24.3.
Variant type: single nucleotide variant.
Coding change: c.3988G>A on transcript NM_001040108.2 (MANE Select); coding-DNA position 3988, G replaced by A.
Protein change: p.Glu1330Lys; replaces glutamic acid 1330 with lysine.
Molecular consequence: missense variant.
Genome position (GRCh38, 1-based): chr14:75,023,018, C>T on the plus strand (G>A on the coding strand, the complement: MLH3 is on the minus strand). VCF-style: chr14-75023018-C-T. GRCh37 (hg19) VCF-style: chr14-75489721-C-T.
Other names: c.3916G>A, p.Glu1306Lys (NM_014381.3); short protein forms E1306K, E1330K.
Identifiers: ClinVar variation 962544 (VCV000962544.10), dbSNP rs1890393091, ClinGen allele CA390421819.
Genomic context (GRCh38, chr14:75,023,018, plus strand): 5'-CTTCTGTGTGAAACCCCAAAATAAAGGAAAAGCTTACCTCCAGTTGTTCTCGGATAAATT[C>T]CTGCAAAGCAAAAGGAAAATCGGCTTTAATCTACGGTTATGTTTTACTTGCCCTTTGATA-3'
Protein context (NP_001035197.1, residues 1320-1340): RSTVTKSIVE[Glu1330Lys]FIREQLELLQ

ClinVar aggregate classification (germline): Uncertain significance. Review status: criteria provided, multiple submitters, no conflicts (2 of 4 stars). 2 submissions from 2 submitters: Uncertain significance (2). Last evaluated 2025-05-11.

Conditions:
Colorectal cancer, hereditary nonpolyposis, type 7. Identifiers: Orphanet 144, MedGen C1858380, MONDO:0013725, OMIM 614385.

Allele frequency attached by ClinVar (database versions not stated): gnomAD exomes below 0.00001.
gnomAD v4.1: 1 of 1,614,228 alleles (0.000062%); highest among the groups gnomAD compares: Non-Finnish European, 0.000085%; no homozygotes.

Submissions (2):

Ambry Genetics
Classification: Uncertain significance. Last evaluated: 2025-05-11. Review status: criteria provided, single submitter. Criteria: Ambry Variant Classification Scheme 2023. Collection method: clinical testing. Allele origin: germline.
Comment: The p.E1330K variant (also known as c.3988G>A) is located in coding exon 9 of the MLH3 gene. The glutamic acid at codon 1330 is replaced by lysine, an amino acid with similar properties. This change occurs in the first base pair of coding exon 9. This amino acid position is conserved. In addition, the in silico prediction for this alteration is inconclusive. Based on the available evidence, the clinical significance of this variant remains unclear.

Labcorp Genetics (formerly Invitae), Labcorp
Classification: Uncertain significance for Colorectal cancer, hereditary nonpolyposis, type 7. Last evaluated: 2019-07-24. Review status: criteria provided, single submitter. Criteria: Invitae Variant Classification Sherloc (09022015). Collection method: clinical testing. Allele origin: germline.
Comment: Algorithms developed to predict the effect of missense changes on protein structure and function are either unavailable or do not agree on the potential impact of this missense change (SIFT: "Deleterious"; PolyPhen-2: "Possibly Damaging"; Align-GVGD: "Class C0"). This variant has not been reported in the literature in individuals with MLH3-related disease. This variant is not present in population databases (ExAC no frequency). This sequence change replaces glutamic acid with lysine at codon 1330 of the MLH3 protein (p.Glu1330Lys). The glutamic acid residue is moderately conserved and there is a small physicochemical difference between glutamic acid and lysine. In summary, the available evidence is currently insufficient to determine the role of this variant in disease. Therefore, it has been classified as a Variant of Uncertain Significance.